The following is an entry in ClinVar:

ClinVar aggregate classification (germline): Uncertain significance (1 of 4 stars; one submission).

Conditions:
Early-infantile DEE. Also called: Early infantile epileptic encephalopathy with suppression bursts; Early infantile epileptic encephalopathy; Ohtahara syndrome. Identifiers: Orphanet 1934, MedGen C0393706, MONDO:0800491.

Allele frequency attached by ClinVar (database versions not stated): gnomAD exomes below 0.00001.
gnomAD v4.1: 2 of 1,614,044 alleles (0.00012%); highest among the groups gnomAD compares: South Asian, 0.0011%; no homozygotes.

Submission:

Labcorp Genetics (formerly Invitae), Labcorp
Classification: Uncertain significance for Early-infantile DEE. Last evaluated: 2023-07-20. Review status: criteria provided, single submitter. Criteria: Invitae Variant Classification Sherloc (09022015). Collection method: clinical testing. Allele origin: germline.
Comment: In summary, the available evidence is currently insufficient to determine the role of this variant in disease. Therefore, it has been classified as a Variant of Uncertain Significance. Algorithms developed to predict the effect of sequence changes on RNA splicing suggest that this variant may create or strengthen a splice site. This variant has not been reported in the literature in individuals affected with SPTAN1-related conditions. This variant is not present in population databases (gnomAD no frequency). This sequence change affects codon 480 of the SPTAN1 mRNA. It is a 'silent' change, meaning that it does not change the encoded amino acid sequence of the SPTAN1 protein.

NM_001130438.3(SPTAN1):c.1440C>T (p.Asp480=)

Gene: SPTAN1 (spectrin alpha, non-erythrocytic 1; plus strand). Cytogenetic location: 9q34.11.
Variant type: single nucleotide variant.
Coding change: c.1440C>T on transcript NM_001130438.3 (MANE Select); coding-DNA position 1440, C replaced by T.
Protein change: p.Asp480=; no amino-acid change (aspartic acid 480 retained).
Molecular consequence: synonymous variant.
Genome position (GRCh38, 1-based): chr9:128,581,038, C>T. VCF-style: chr9-128581038-C-T. GRCh37 (hg19) VCF-style: chr9-131343317-C-T.
Other names: c.1440C>T, p.Asp480= (NM_001195532.2, NM_001363759.2, NM_001363765.2 and 5 more transcripts); c.1476C>T, p.Asp492= (NM_001375312.2, NM_001375318.1).
Identifiers: ClinVar variation 2745460 (VCV002745460.3), dbSNP rs2541119718, ClinGen allele CA467296821.